The following is an entry in ClinVar:

ClinVar aggregate classification (germline): Uncertain significance (1 of 4 stars; one submission).

Conditions:
Hereditary cancer-predisposing syndrome. Also called: Neoplastic Syndromes, Hereditary; Tumor predisposition; Hereditary neoplastic syndrome; Hereditary Cancer Syndrome. Identifiers: Orphanet 140162, MedGen C0027672, MeSH D009386, MONDO:0015356.

Submission:

Ambry Genetics
Classification: Uncertain significance for Hereditary cancer-predisposing syndrome. Last evaluated: 2026-08-28. Review status: criteria provided, single submitter. Criteria: Ambry Variant Classification Scheme 2023. Collection method: clinical testing. Allele origin: germline.
Comment: The p.C844W variant (also known as c.2532T>G), located in coding exon 18 of the KIT gene, results from a T to G substitution at nucleotide position 2532. The cysteine at codon 844 is replaced by tryptophan, an amino acid with highly dissimilar properties. This amino acid position is highly conserved in available vertebrate species. In addition, this alteration is predicted to be deleterious by in silico analysis. Based on the available evidence, the clinical significance of this variant remains unclear.

NM_000222.3(KIT):c.2532T>G (p.Cys844Trp)

Gene: KIT (KIT proto-oncogene, receptor tyrosine kinase; plus strand). Cytogenetic location: 4q12.
Variant type: single nucleotide variant.
Coding change: c.2532T>G on transcript NM_000222.3 (MANE Select); coding-DNA position 2532, T replaced by G.
Protein change: p.Cys844Trp; replaces cysteine 844 with tryptophan.
Molecular consequence: missense variant.
Genome position (GRCh38, 1-based): chr4:54,736,545, T>G. VCF-style: chr4-54736545-T-G. GRCh37 (hg19) VCF-style: chr4-55602711-T-G.
Other names: c.2520T>G, p.Cys840Trp (NM_001093772.2, NM_001385292.1); c.2535T>G, p.Cys845Trp (NM_001385284.1); c.2529T>G, p.Cys843Trp (NM_001385285.1); c.2517T>G, p.Cys839Trp (NM_001385286.1); c.2523T>G, p.Cys841Trp (NM_001385288.1); c.2532T>G, p.Cys844Trp (NM_001385290.1); short protein forms C844W, C843W, C839W, C840W, C841W, C845W.
Identifiers: ClinVar variation 5023340 (VCV005023340.1).
Genomic context (GRCh38, chr4:54,736,545, plus strand): 5'-GCTTCTATTACAGGCTCGACTACCTGTGAAGTGGATGGCACCTGAAAGCATTTTCAACTG[T>G]GTATACACGTTTGAAAGTGACGTCTGGTCCTATGGGATTTTTCTTTGGGAGCTGTTCTCT-3'
Protein context (NP_000213.1, residues 834-854): KWMAPESIFN[Cys844Trp]VYTFESDVWS